The following is an entry in ClinVar:

NM_015275.3(WASHC4):c.1871C>T (p.Ala624Val)

Gene: WASHC4 (WASH complex subunit 4; plus strand). Cytogenetic location: 12q23.3.
Variant type: single nucleotide variant.
Coding change: c.1871C>T on transcript NM_015275.3 (MANE Select); coding-DNA position 1871, C replaced by T.
Protein change: p.Ala624Val; replaces alanine 624 with valine.
Molecular consequence: missense variant.
Genome position (GRCh38, 1-based): chr12:105,142,536, C>T. VCF-style: chr12-105142536-C-T. GRCh37 (hg19) VCF-style: chr12-105536314-C-T.
Other names: c.1874C>T, p.Ala625Val (NM_001293640.2); short protein forms A624V, A625V.
Identifiers: ClinVar variation 3355135 (VCV003355135.1).

ClinVar aggregate classification (germline): Uncertain significance (0 of 4 stars; one submission).

Conditions:
WASHC4-related disorder. Also called: WASHC4-related condition.

Submission:

PreventionGenetics, part of Exact Sciences
Classification: Uncertain significance for WASHC4-related condition. Last evaluated: 2024-07-20. Review status: no assertion criteria provided. Collection method: clinical testing. Allele origin: germline.
Comment: The WASHC4 c.1871C>T variant is predicted to result in the amino acid substitution p.Ala624Val. To our knowledge, this variant has not been reported in the literature or in a large population database, indicating this variant is rare. At this time, the clinical significance of this variant is uncertain due to the absence of conclusive functional and genetic evidence.